The following is an entry in ClinVar:

NM_000215.4(JAK3):c.2164G>A (p.Val722Ile)

Gene: JAK3 (Janus kinase 3; minus strand). Cytogenetic location: 19p13.11.
Variant type: single nucleotide variant.
Coding change: c.2164G>A on transcript NM_000215.4 (MANE Select); coding-DNA position 2164, G replaced by A.
Protein change: p.Val722Ile; replaces valine 722 with isoleucine.
Molecular consequence: missense variant.
Genome position (GRCh38, 1-based): chr19:17,834,887, C>T on the plus strand (G>A on the coding strand, the complement: JAK3 is on the minus strand). VCF-style: chr19-17834887-C-T. GRCh37 (hg19) VCF-style: chr19-17945696-C-T.
Other names: NM_000215.4(JAK3):c.2164G>A; short protein forms V722I.
Identifiers: ClinVar variation 134573 (VCV000134573.57), dbSNP rs3213409, ClinGen allele CA160225.

ClinVar aggregate classification (germline): Benign. Review status: reviewed by expert panel (3 of 4 stars). 13 submissions from 13 submitters: Benign (1). 12 of the submissions do not count toward it. Last evaluated 2024-04-03.

Conditions:
JAK3-related disorder. Also called: JAK3-related condition.
T-B+ severe combined immunodeficiency due to JAK3 deficiency. Also called: SCID, autosomal recessive, T-negative/B-positive type; SCID, T CELL-NEGATIVE, B CELL-POSITIVE, NK CELL-NEGATIVE. Identifiers: Orphanet 35078, MedGen C1833275, MONDO:0010938, OMIM 600802.

Allele frequency attached by ClinVar (database versions not stated): gnomAD exomes 0.01001 and 0.00862; 1000 Genomes Project 30x 0.00297; 1000 Genomes Project 0.00359; gnomAD 0.00743 and 0.00753; TOPMed 0.00761; ExAC 0.00865; ESP Exome Variant Server 0.00946.
gnomAD v4.1: 15,743 of 1,614,140 alleles (0.98%); highest among the groups gnomAD compares: Middle Eastern, 2.2%; 120 homozygotes.

Submissions (13):

ClinGen Severe Combined Immunodeficiency Variant Curation Expert Panel, ClinGen
Classification: Benign for T-B+ severe combined immunodeficiency due to JAK3 deficiency. Last evaluated: 2024-04-03. Review status: reviewed by expert panel. Criteria: ClinGen SCID ACMG Specifications JAK3 V1.0.0. Collection method: curation. Allele origin: germline. Inheritance: Autosomal recessive inheritance.
Comment: NM_000215.4(JAK3):c.2164G>A is a missense variant predicted to cause substitution of Valine by Isoleucine at amino acid 722 (p.Val722Ile). The filtering allele frequency (the lower threshold of the 95% CI of 12957/1180016) of the c.2164G>A variant in JAK3 is 0.01082 for European (non-Finnish) chromosomes by gnomAD v4, which is higher than the ClinGen SCID VCEP threshold (>0.00447) for BA1, and therefore meets this criterion (BA1). Additionally, 120 adult homozygous occurrences are reported in gnomAD v4 (BS2_Supporting). In summary, this variant meets the criteria to be classified as Benign for autosomal recessive severe combined immunodeficiency due to JAK3 deficiency based on the ACMG/AMP criteria applied, as specified by the ClinGen SCID VCEP: BA1 and B2_Supporting (VCEP specifications version 1).

CeGaT Center for Human Genetics Tuebingen
Classification: Benign. Last evaluated: 2026-07-01. Review status: criteria provided, single submitter. Criteria: CeGaT Center For Human Genetics Tuebingen Variant Classification Criteria Version 2. Collection method: clinical testing. Allele origin: germline. Affected: yes. Observed: 23 variant alleles. Not counted in ClinVar's aggregate classification.
Comment: JAK3: BP4, BS1, BS2

Labcorp Genetics (formerly Invitae), Labcorp
Classification: Benign for T-B+ severe combined immunodeficiency due to JAK3 deficiency. Last evaluated: 2026-02-02. Review status: criteria provided, single submitter. Criteria: Invitae Variant Classification Sherloc (09022015). Collection method: clinical testing. Allele origin: germline. Not counted in ClinVar's aggregate classification.

Blueprint Genetics
Classification: Likely benign. Last evaluated: 2024-11-28. Review status: criteria provided, single submitter. Criteria: ACMG Guidelines, 2015. Collection method: clinical testing. Allele origin: germline. Not counted in ClinVar's aggregate classification.

ARUP Laboratories, Molecular Genetics and Genomics, ARUP Laboratories
Classification: Likely benign for T-B+ severe combined immunodeficiency due to JAK3 deficiency. Last evaluated: 2023-10-23. Review status: criteria provided, single submitter. Criteria: ARUP Molecular Germline Variant Investigation Process 2024. Collection method: clinical testing. Allele origin: germline. Not counted in ClinVar's aggregate classification.

Fulgent Genetics
Classification: Likely benign for T-B+ severe combined immunodeficiency due to JAK3 deficiency. Last evaluated: 2022-04-27. Review status: criteria provided, single submitter. Criteria: ACMG Guidelines, 2015. Collection method: clinical testing. Allele origin: unknown. Not counted in ClinVar's aggregate classification.

GeneDx
Classification: Benign. Last evaluated: 2021-06-23. Review status: criteria provided, single submitter. Criteria: GeneDx Variant Classification Process June 2021. Collection method: clinical testing. Allele origin: germline. Affected: yes. Not counted in ClinVar's aggregate classification.
Comment: This variant is associated with the following publications: (PMID: 24728327, 29921932, 10982185, 19282076, 21228398, 26182690, 27884173, 14615376, 33040328)

Mayo Clinic Laboratories, Mayo Clinic
Classification: Benign. Last evaluated: 2019-08-26. Review status: criteria provided, single submitter. Criteria: ACMG Guidelines, 2015. Collection method: clinical testing. Allele origin: germline. Observed: 2 variant alleles. Not counted in ClinVar's aggregate classification.

Illumina Laboratory Services, Illumina
Classification: Likely benign for T-B+ severe combined immunodeficiency due to JAK3 deficiency. Last evaluated: 2017-04-27. Review status: criteria provided, single submitter. Criteria: ICSL Variant Classification Criteria 13 December 2019. Collection method: clinical testing. Allele origin: germline. Not counted in ClinVar's aggregate classification.
Comment: This variant was observed as part of a predisposition screen in an ostensibly healthy population. A literature search was performed for the gene, cDNA change, and amino acid change (where applicable). Publications were found based on this search. The evidence from the literature, in combination with allele frequency data from public databases where available, was sufficient to determine this variant is unlikely to cause disease. Therefore, this variant is classified as likely benign.

Breakthrough Genomics
Classification: Likely benign. Review status: criteria provided, single submitter. Criteria: ACMG Guidelines, 2015. Collection method: not provided. Allele origin: germline. Inheritance: Autosomal recessive inheritance. Affected: yes. Not counted in ClinVar's aggregate classification.

PreventionGenetics, part of Exact Sciences
Classification: Benign for JAK3-related condition. Last evaluated: 2024-01-28. Review status: no assertion criteria provided. Collection method: clinical testing. Allele origin: germline. Not counted in ClinVar's aggregate classification.
Comment: This variant is classified as benign based on ACMG/AMP sequence variant interpretation guidelines (Richards et al. 2015 PMID: 25741868, with internal and published modifications).

ITMI
No classification provided. Condition: AllHighlyPenetrant. Last evaluated: 2013-09-19. Review status: no classification provided. Collection method: reference population. Allele origin: germline. Not counted in ClinVar's aggregate classification.
Comment: Please see associated publication for description of ethnicities

Department of Pathology and Laboratory Medicine, Sinai Health System
Classification: Likely benign. Review status: no assertion criteria provided. Collection method: clinical testing. Allele origin: unknown. Affected: yes. Study: The Canadian Open Genetics Repository (COGR). Not counted in ClinVar's aggregate classification.
Comment: The JAK3 p.Val722Ile variant was identified in dbSNP (ID: rs3213409), Cosmic (FATHMM predicted neutral; score=0.23), LOVD 3.0 and ClinVar (classified as likely benign by GeneDx and ARUP Laboratories and as benign by Invitae for severe combined immunodeficiency). The variant was also identified in control databases in 2370 of 282750 chromosomes (21 homozygous) at a frequency of 0.008382 increasing the likelihood this could be a low frequency benign variant (Genome Aggregation Database Feb 27, 2017). The variant was observed in the following populations: Ashkenazi Jewish in 263 of 10368 chromosomes (freq: 0.02537), European (non-Finnish) in 1573 of 129108 chromosomes (freq: 0.01218), Other in 68 of 7226 chromosomes (freq: 0.00941), Latino in 179 of 35434 chromosomes (freq: 0.005052), South Asian in 143 of 30616 chromosomes (freq: 0.004671), European (Finnish) in 90 of 25118 chromosomes (freq: 0.003583), African in 53 of 24934 chromosomes (freq: 0.002126) and East Asian in 1 of 19946 chromosomes (freq: 0.00005). The V722I variant was identified in the compound heterozygous state in 1/10 patients with severe combined immunodeficiency (SCID) (Roberts_2004_PMID:14615376). Another study identified the variant in the heterozygous state in 1/14 patients with SCID (Schumacher_2000_PMID:10982185). The V722I variant has also been identified somatically in mutliple cancers, including acute myelogenous leukemia, natural killer T-cell lymphoma, acute lymphoblastic leukemia and lung tumors and has been suggested to be an acitivating mutation (Van Allen_2015_PMID:26014096; MacConaill_2014_PMID:25157968; Bergmann_2014_PMID:24446122; Riera_2011_PMID:21599579; Yin_2015_PMID:25146434). The variant occurs outside of the splicing consensus sequence and in silico or computational prediction software programs (SpliceSiteFinder, MaxEntScan, NNSPLICE, GeneSplicer) do not predict a difference in splicing. The p.Val722 residue is not conserved in mammals and computational analyses (PolyPhen-2, SIFT, AlignGVGD, BLOSUM, MutationTaster) do not suggest a high likelihood of impact to the protein; however, this information is not predictive enough to rule out pathogenicity. In summary, based on the above information the clinical significance of this variant cannot be determined with certainty at this time although we would lean towards a more benign role for this variant. This variant is classified as likely benign.

Literature cited by the submitters: PubMed 10982185 (cited by Illumina Laboratory Services, Illumina); PubMed 24728327 (cited by ITMI).